The following is an entry in ClinVar:

ClinVar aggregate classification (germline): Conflicting classifications of pathogenicity. Review status: criteria provided, conflicting classifications (1 of 4 stars). 2 submissions from 2 submitters: Uncertain significance (1); Likely benign (1). Last evaluated 2026-05-10.

Conditions:
CEP164-related disorder. Also called: CEP164-related condition.

gnomAD v4.1: 10 of 1,613,578 alleles (0.00062%); highest among the groups gnomAD compares: African/African-American, 0.0013%; no homozygotes.

Submissions (2):

PreventionGenetics, part of Exact Sciences
Classification: Likely benign for CEP164-related condition. Last evaluated: 2026-05-10. Review status: criteria provided, single submitter. Criteria: ACMG Guidelines, 2015. Collection method: clinical testing. Allele origin: germline.
Comment: This variant is classified as likely benign based on ACMG/AMP sequence variant interpretation guidelines (Richards et al. 2015 PMID: 25741868, with internal and published modifications).

Blueprint Genetics
Classification: Uncertain significance. Last evaluated: 2019-04-24. Review status: criteria provided, single submitter. Criteria: ACMG Guidelines, 2015. Collection method: clinical testing. Allele origin: germline.

NM_014956.5(CEP164):c.2066+6T>C

Gene: CEP164 (centrosomal protein 164; plus strand). Cytogenetic location: 11q23.3.
Variant type: single nucleotide variant.
Coding change: c.2066+6T>C on transcript NM_014956.5 (MANE Select); 6 bases into the intron after coding-DNA position 2066, T replaced by C.
Molecular consequence: intron variant.
Genome position (GRCh38, 1-based): chr11:117,390,914, T>C. VCF-style: chr11-117390914-T-C. GRCh37 (hg19) VCF-style: chr11-117261630-T-C.
Other names: c.2075+6T>C (NM_001271933.2, NM_001440949.1); c.1907+6T>C (NM_001440972.1); c.1928+6T>C (NM_001440967.1, NM_001440961.1); c.1979+6T>C (NM_001440956.1, NM_001440957.1); c.2066+6T>C (NM_001440950.1, NM_001440953.1, NM_001440951.1 and 1 more transcripts); c.1919+6T>C (NM_001440962.1, NM_001440970.1, NM_001440964.1 and 4 more transcripts); c.1709+6T>C (NM_001440990.1, NM_001440984.1); c.1901+6T>C (NM_001440952.1, NM_001440968.1, NM_001440969.1); and 7 more.
Identifiers: ClinVar variation 4914134 (VCV004914134.2).